The following is an entry in ClinVar:

ClinVar aggregate classification (germline): Uncertain significance (1 of 4 stars; one submission).

Submission:

Labcorp Genetics (formerly Invitae), Labcorp
Classification: Uncertain significance. Last evaluated: 2025-06-11. Review status: criteria provided, single submitter. Criteria: Invitae Variant Classification Sherloc (09022015). Collection method: clinical testing. Allele origin: germline.
Comment: This sequence change replaces histidine, which is basic and polar, with arginine, which is basic and polar, at codon 86 of the RELA protein (p.His86Arg). This variant is not present in population databases (gnomAD no frequency). This variant has not been reported in the literature in individuals affected with RELA-related conditions. An algorithm developed to predict the effect of missense changes on protein structure and function (PolyPhen-2) suggests that this variant is likely to be disruptive. In summary, the available evidence is currently insufficient to determine the role of this variant in disease. Therefore, it has been classified as a Variant of Uncertain Significance.

NM_021975.4(RELA):c.257A>G (p.His86Arg)

Gene: RELA (RELA proto-oncogene, NF-kB subunit; minus strand). Cytogenetic location: 11q13.1.
Variant type: single nucleotide variant.
Coding change: c.257A>G on transcript NM_021975.4 (MANE Select); coding-DNA position 257, A replaced by G.
Protein change: p.His86Arg; replaces histidine 86 with arginine.
Molecular consequence: missense variant. On other transcripts: 5 prime UTR variant (1).
Genome position (GRCh38, 1-based): chr11:65,661,765, T>C on the plus strand (A>G on the coding strand, the complement: RELA is on the minus strand). VCF-style: chr11-65661765-T-C. GRCh37 (hg19) VCF-style: chr11-65429236-T-C.
Other names: c.257A>G, p.His86Arg (NM_001145138.2, NM_001243984.2, NM_001243985.2 and 2 more transcripts); c.290A>G, p.His97Arg (NM_001404657.1); c.230A>G, p.His77Arg (NM_001404658.1); c.-33A>G (NM_001404661.1); c.164A>G, p.His55Arg (NM_001404662.1, NM_001404663.1); short protein forms H86R, H97R, H55R, H77R.
Identifiers: ClinVar variation 4721265 (VCV004721265.1).